The following is an entry in ClinVar:

ClinVar aggregate classification (germline): Uncertain significance. Review status: criteria provided, multiple submitters, no conflicts (2 of 4 stars). 3 submissions from 3 submitters: Uncertain significance (3). Last evaluated 2026-02-27.

Conditions:
Malignant hyperthermia, susceptibility to, 5 (MHS5). Also called: CACNA1S-Related Malignant Hyperthermia Susceptibility. Identifiers: Orphanet 423, MedGen C1866077, MONDO:0011163, OMIM 601887.
Hypokalemic periodic paralysis, type 1. Also called: HypoPP; Hypokalemic Periodic Paralysis Type 1 (AD). Identifiers: Orphanet 681, MedGen C3714580, MONDO:0042979, OMIM 170400.
Inborn genetic diseases. Identifiers: MedGen C0950123, MeSH D030342.

Allele frequency attached by ClinVar (database versions not stated): gnomAD exomes below 0.00001; TOPMed below 0.00001.
gnomAD v4.1: 2 of 1,614,228 alleles (0.00012%); highest among the groups gnomAD compares: Admixed American, 0.0033%; no homozygotes.

Submissions (3):

Ambry Genetics
Classification: Uncertain significance for Inborn genetic diseases. Last evaluated: 2026-02-27. Review status: criteria provided, single submitter. Criteria: Ambry Variant Classification Scheme 2023. Collection method: clinical testing. Allele origin: germline.

Color Diagnostics, LLC DBA Color Health
Classification: Uncertain significance for Malignant hyperthermia, susceptibility to, 5. Last evaluated: 2025-05-13. Review status: criteria provided, single submitter. Criteria: ACMG Guidelines, 2015. Collection method: clinical testing. Allele origin: germline.
Comment: This missense variant replaces glycine with glutamic acid at codon 1072 of the CACNA1S protein. Computational prediction suggests that this variant may have deleterious impact on protein structure and function. To our knowledge, functional studies have not been reported for this variant. This variant has not been reported in individuals affected with CACNA1S-related disorders in the literature. This variant has been identified in 2/251472 chromosomes in the general population by the Genome Aggregation Database (gnomAD). The available evidence is insufficient to determine the role of this variant in disease conclusively. Therefore, this variant is classified as a Variant of Uncertain Significance.

Labcorp Genetics (formerly Invitae), Labcorp
Classification: Uncertain significance for Hypokalemic periodic paralysis, type 1; Malignant hyperthermia, susceptibility to, 5. Last evaluated: 2024-11-27. Review status: criteria provided, single submitter. Criteria: Invitae Variant Classification Sherloc (09022015). Collection method: clinical testing. Allele origin: germline.
Comment: This sequence change replaces glycine, which is neutral and non-polar, with glutamic acid, which is acidic and polar, at codon 1072 of the CACNA1S protein (p.Gly1072Glu). This variant is present in population databases (no rsID available, gnomAD 0.006%). This missense change has been observed in individual(s) with CACNA1S-related conditions (internal data). ClinVar contains an entry for this variant (Variation ID: 1914711). Invitae Evidence Modeling of protein sequence and biophysical properties (such as structural, functional, and spatial information, amino acid conservation, physicochemical variation, residue mobility, and thermodynamic stability) has been performed for this missense variant. However, the output from this modeling did not meet the statistical confidence thresholds required to predict the impact of this variant on CACNA1S protein function. In summary, the available evidence is currently insufficient to determine the role of this variant in disease. Therefore, it has been classified as a Variant of Uncertain Significance.

NM_000069.3(CACNA1S):c.3215G>A (p.Gly1072Glu)

Gene: CACNA1S (calcium voltage-gated channel subunit alpha1 S; minus strand). Cytogenetic location: 1q32.1.
Variant type: single nucleotide variant.
Coding change: c.3215G>A on transcript NM_000069.3 (MANE Select); coding-DNA position 3215, G replaced by A.
Protein change: p.Gly1072Glu; replaces glycine 1072 with glutamic acid.
Molecular consequence: missense variant.
Genome position (GRCh38, 1-based): chr1:201,061,307, C>T on the plus strand (G>A on the coding strand, the complement: CACNA1S is on the minus strand). VCF-style: chr1-201061307-C-T. GRCh37 (hg19) VCF-style: chr1-201030435-C-T.
Other names: c.3215G>A (NM_000069.2); short protein forms G1072E.
Identifiers: ClinVar variation 1914711 (VCV001914711.7), dbSNP rs1407644056, ClinGen allele CA344161797.